The following is an entry in ClinVar:

NM_015335.5(MED13L):c.2297C>T (p.Pro766Leu)

Gene: MED13L (mediator complex subunit 13L; minus strand). Cytogenetic location: 12q24.21.
Variant type: single nucleotide variant.
Coding change: c.2297C>T on transcript NM_015335.5 (MANE Select); coding-DNA position 2297, C replaced by T.
Protein change: p.Pro766Leu; replaces proline 766 with leucine.
Molecular consequence: missense variant.
Genome position (GRCh38, 1-based): chr12:116,006,353, G>A on the plus strand (C>T on the coding strand, the complement: MED13L is on the minus strand). VCF-style: chr12-116006353-G-A. GRCh37 (hg19) VCF-style: chr12-116444158-G-A.
Other names: c.2297C>T (NM_015335.4); short protein forms P766L.
Identifiers: ClinVar variation 4885742 (VCV004885742.3).

ClinVar aggregate classification (germline): Uncertain significance. Review status: criteria provided, multiple submitters, no conflicts (2 of 4 stars). 2 submissions from 2 submitters: Uncertain significance (2). Last evaluated 2025-12-17.

Conditions:
MED13L-related disorder. Also called: MED13L-related condition.

Submissions (2):

PreventionGenetics, part of Exact Sciences
Classification: Uncertain significance for MED13L-related condition. Last evaluated: 2025-12-17. Review status: criteria provided, single submitter. Criteria: ACMG Guidelines, 2015. Collection method: clinical testing. Allele origin: germline.
Comment: The MED13L c.2297C>T variant is predicted to result in the amino acid substitution p.Pro766Leu. To our knowledge, this variant has not been reported in the literature. This variant is reported in 0.0058% of alleles in individuals of Latino descent in gnomAD. At this time, the clinical significance of this variant is uncertain due to the absence of conclusive functional and genetic evidence.

Dasa
Classification: Uncertain significance. Last evaluated: 2025-02-19. Review status: criteria provided, single submitter. Criteria: DASA Assertion Criteria. Collection method: clinical testing. Allele origin: germline.
Comment: NM_015335.5(MED13L):c.2297C>T (p.Pro766Leu) is a missense variant that results in the substitution of proline with leucine. This variant is rare in population databases. Computational prediction algorithms are consistent with a benign effect. The currently available literature and clinical evidence are not sufficient to establish a definitive association between this variant and the reported condition. Therefore, this variant is classified as a variant of uncertain significance.